The following continues an entry in ClinVar:

NM_024422.6(DSC2):c.304G>A (p.Glu102Lys)

Gene: DSC2. ClinVar aggregate classification (germline): Conflicting classifications of pathogenicity. Uncertain significance (4); Likely benign (12).

Submissions 14 to 20 of 20:

Illumina Laboratory Services, Illumina
Classification: Uncertain significance for Arrhythmogenic right ventricular dysplasia 11. Last evaluated: 2017-04-27. Review status: criteria provided, single submitter. Criteria: ICSL Variant Classification Criteria 13 December 2019. Collection method: clinical testing. Allele origin: germline.
Comment: This variant was observed as part of a predisposition screen in an ostensibly healthy population. A literature search was performed for the gene, cDNA change, and amino acid change (where applicable). Publications were found based on this search. However, the evidence from the literature, in combination with allele frequency data from public databases where available, was not sufficient to rule this variant in or out of causing disease. Therefore, this variant is classified as a variant of unknown significance.

CSER _CC_NCGL, University of Washington
Classification: Uncertain significance for Arrhythmogenic right ventricular dysplasia. Last evaluated: 2016-10-01. Review status: criteria provided, single submitter. Criteria: Amendola et al. (Genome Res. 2015). Collection method: research. Allele origin: germline. Affected: no. Study: CSER - NEXT Medicine variant annotation.
Comment: Found in 2 unrelated patients having exome sequencing for an unrelated indication. This interpretation considers GERP score and allele frequency data, in addition to published reports of the variant in the literature, available at the time of review.

Stanford Center for Inherited Cardiovascular Disease, Stanford University
Classification: Uncertain significance. Last evaluated: 2014-12-07. Review status: criteria provided, single submitter. Criteria: ACMG Guidelines, 2015. Collection method: provider interpretation. Allele origin: germline.

PreventionGenetics, part of Exact Sciences
Classification: Likely benign for DSC2-related condition. Last evaluated: 2024-03-27. Review status: no assertion criteria provided. Collection method: clinical testing. Allele origin: germline. Not counted in ClinVar's aggregate classification.
Comment: This variant is classified as likely benign based on ACMG/AMP sequence variant interpretation guidelines (Richards et al. 2015 PMID: 25741868, with internal and published modifications).

Clinical Genetics DNA and cytogenetics Diagnostics Lab, Erasmus MC, Erasmus Medical Center
Classification: Likely benign. Review status: no assertion criteria provided. Collection method: clinical testing. Allele origin: germline. Affected: yes. Study: VKGL Data-share Consensus. Not counted in ClinVar's aggregate classification.

Diagnostic Laboratory, Department of Genetics, University Medical Center Groningen
Classification: Likely benign for Arrhythmogenic right ventricular dysplasia 11. Review status: no assertion criteria provided. Collection method: clinical testing. Allele origin: germline. Affected: yes. Study: VKGL Data-share Consensus. Not counted in ClinVar's aggregate classification.

Joint Genome Diagnostic Labs from Nijmegen and Maastricht, Radboudumc and MUMC+
Classification: Likely benign. Review status: no assertion criteria provided. Collection method: clinical testing. Allele origin: germline. Affected: yes. Study: VKGL Data-share Consensus. Not counted in ClinVar's aggregate classification.

Literature cited by the submitters: PubMed 17963498 (cited by 5 submitters); PubMed 23147450 (cited by 5 submitters); PubMed 23299917 (cited by 4 submitters); PubMed 25637381 (cited by 3 submitters); PubMed 31568572 (cited by Mayo Clinic Laboratories, Mayo Clinic); PubMed 35653365 (cited by Mayo Clinic Laboratories, Mayo Clinic); PubMed 37937776 (cited by Mayo Clinic Laboratories, Mayo Clinic); PubMed 20197793 (cited by 3 submitters); PubMed 21606390 (cited by 4 submitters); PubMed 28798025 (cited by 3 submitters); PubMed 18382419 (cited by Women's Health and Genetics/Laboratory Corporation of America, LabCorp); PubMed 18957847 (cited by Women's Health and Genetics/Laboratory Corporation of America, LabCorp); PubMed 23396983 (cited by Women's Health and Genetics/Laboratory Corporation of America, LabCorp and Ambry Genetics); PubMed 25569433 (cited by Women's Health and Genetics/Laboratory Corporation of America, LabCorp and Ambry Genetics); PubMed 29802319 (cited by Women's Health and Genetics/Laboratory Corporation of America, LabCorp).